The following is an entry in ClinVar:

NM_000051.4(ATM):c.6147T>C (p.Tyr2049=)

Genes: ATM (ATM serine/threonine kinase; plus strand), C11orf65 (chromosome 11 open reading frame 65; minus strand). Cytogenetic location: 11q22.3.
Variant type: single nucleotide variant.
Coding change: c.6147T>C on transcript NM_000051.4 (MANE Select); coding-DNA position 6147, T replaced by C.
Protein change: p.Tyr2049=; no amino-acid change (tyrosine 2049 retained).
Molecular consequence: synonymous variant. On other transcripts: intron variant (2).
Genome position (GRCh38, 1-based): chr11:108,316,062, T>C. VCF-style: chr11-108316062-T-C. GRCh37 (hg19) VCF-style: chr11-108186789-T-C.
Other names: c.6147T>C, p.Tyr2049= (NM_001351834.2); c.641-6991A>G (NM_001330368.2); c.*39-6991A>G (NM_001351110.2).
Identifiers: ClinVar variation 187461 (VCV000187461.23), dbSNP rs369940136, ClinGen allele CA197707.
Genomic context (GRCh38, chr11:108,316,062, plus strand): 5'-TTCTTATAGACTACGAACATATGAACACGAAGCAATGTGGGGCAAAGCCCTAGTAACATA[T>C]GACCTCGAAACAGCAATCCCCTCATCAACACGCCAGGCAGGAATCATTCAGGTACATTTT-3'
Protein context (NP_000042.3, residues 2039-2059): EAMWGKALVT[Tyr2049=]DLETAIPSST

ClinVar aggregate classification (germline): Benign/Likely benign. Review status: criteria provided, multiple submitters, no conflicts (2 of 4 stars). 7 submissions from 7 submitters: Benign (2); Likely benign (5). Last evaluated 2026-01-15.

Conditions:
ATM-related cancer predisposition. Also called: ATM-related cancer susceptibility. Identifiers: MedGen CN377759, MONDO:0700270.
Hereditary cancer-predisposing syndrome. Also called: Hereditary Cancer Syndrome; Tumor predisposition; Neoplastic Syndromes, Hereditary; Hereditary neoplastic syndrome. Identifiers: Orphanet 140162, MedGen C0027672, MeSH D009386, MONDO:0015356.
Ataxia-telangiectasia syndrome (AT). Also called: ATAXIA-TELANGIECTASIA, COMPLEMENTATION GROUP A; ATAXIA-TELANGIECTASIA, FRESNO VARIANT; Ataxia-telangiectasia; Ataxia-telangiectasia, complementation group E; Cerebello-oculocutaneous telangiectasia; Immunodeficiency with ataxia telangiectasia. Identifiers: Orphanet 100, MedGen C0004135, MONDO:0008840, OMIM 208900.
Familial cancer of breast. Also called: hereditary breast carcinoma; BREAST CANCER, FAMILIAL; Hereditary breast cancer. Identifiers: Orphanet 227535, MedGen C0346153, MONDO:0016419, OMIM 114480. Disease mechanism: loss of function.

Allele frequency attached by ClinVar (database versions not stated): TOPMed 0.00008; gnomAD exomes 0.00004; ExAC 0.00007; ESP Exome Variant Server 0.00008; gnomAD 0.00011; 1000 Genomes Project 30x 0.00031; 1000 Genomes Project 0.00020.
gnomAD v4.1: 24 of 1,614,174 alleles (0.0015%); highest among the groups gnomAD compares: African/African-American, 0.024%; no homozygotes.

Submissions (7):

Labcorp Genetics (formerly Invitae), Labcorp
Classification: Likely benign for Ataxia-telangiectasia syndrome. Last evaluated: 2026-01-15. Review status: criteria provided, single submitter. Criteria: Invitae Variant Classification Sherloc (09022015). Collection method: clinical testing. Allele origin: germline.

Department of Pathology and Laboratory Medicine, Sinai Health System
Classification: Likely benign for ATM-related cancer predisposition. Last evaluated: 2025-02-06. Review status: criteria provided, single submitter. Criteria: ACMG Guidelines, 2015. Collection method: clinical testing. Allele origin: germline.

Myriad Genetics, Inc.
Classification: Benign for Familial cancer of breast. Last evaluated: 2024-06-03. Review status: criteria provided, single submitter. Criteria: Myriad Autosomal Dominant, Autosomal Recessive and X-Linked Classification Criteria (2023). Collection method: clinical testing. Allele origin: unknown.
Comment: This variant is considered benign. This variant is a silent/synonymous amino acid change and it is not expected to impact splicing.

Women's Health and Genetics/Laboratory Corporation of America, LabCorp
Classification: Likely benign. Last evaluated: 2019-08-26. Review status: criteria provided, single submitter. Criteria: LabCorp Variant Classification Summary - May 2015. Collection method: clinical testing. Allele origin: germline.
Comment: Variant summary: ATM c.6147T>C alters a non-conserved nucleotide resulting in a synonymous change. 5/5 computational tools predict no significant impact on normal splicing. However, these predictions have yet to be confirmed by functional studies. The variant allele was found at a frequency of 3.6e-05 in 251406 control chromosomes (gnomAD). The available data on variant occurrences in the general population are insufficient to allow any conclusion about variant significance. To our knowledge, no occurrence of c.6147T>C in individuals affected with Breast Cancer and no experimental evidence demonstrating its impact on protein function have been reported. A ClinVar submission (evaluation after 2014) cites the variant as likely benign. Based on the evidence outlined above, the variant was classified as likely benign.

Color Diagnostics, LLC DBA Color Health
Classification: Likely benign for Hereditary cancer-predisposing syndrome. Last evaluated: 2015-12-10. Review status: criteria provided, single submitter. Criteria: ACMG Guidelines, 2015. Collection method: clinical testing. Allele origin: germline.

GeneDx
Classification: Benign. Last evaluated: 2015-03-03. Review status: criteria provided, single submitter. Criteria: GeneDx Variant Classification Process June 2021. Collection method: clinical testing. Allele origin: germline. Affected: yes.

Ambry Genetics
Classification: Likely benign for Hereditary cancer-predisposing syndrome. Last evaluated: 2014-12-15. Review status: criteria provided, single submitter. Criteria: Ambry Variant Classification Scheme 2023. Collection method: clinical testing. Allele origin: germline.